The following is an entry in ClinVar:

NM_005198.5(CHKB):c.581G>A (p.Arg194Gln)

Genes: CHKB (choline kinase beta; minus strand), CHKB-CPT1B (CHKB-CPT1B readthrough (NMD candidate); minus strand). Cytogenetic location: 22q13.33.
Variant type: single nucleotide variant.
Coding change: c.581G>A on transcript NM_005198.5 (MANE Select); coding-DNA position 581, G replaced by A.
Protein change: p.Arg194Gln; replaces arginine 194 with glutamine.
Molecular consequence: missense variant. On other transcripts: non-coding transcript variant (1).
Genome position (GRCh38, 1-based): chr22:50,581,420, C>T on the plus strand (G>A on the coding strand, the complement: CHKB is on the minus strand). VCF-style: chr22-50581420-C-T. GRCh37 (hg19) VCF-style: chr22-51019849-C-T.
Other names: short protein forms R194Q.
Identifiers: ClinVar variation 573092 (VCV000573092.7), dbSNP rs139818555, ClinGen allele CA10323744.

ClinVar aggregate classification (germline): Conflicting classifications of pathogenicity. Review status: criteria provided, conflicting classifications (1 of 4 stars). 4 submissions from 4 submitters: Pathogenic (1); Likely pathogenic (1); Uncertain significance (2). Last evaluated 2024-01-17.

Conditions:
Megaconial type congenital muscular dystrophy (MDCMC). Also called: CHKB-Related Muscle Diseases; CHKB-Related Muscular Dystrophy; MUSCULAR DYSTROPHY, CONGENITAL, WITH MITOCHONDRIAL STRUCTURAL ABNORMALITIES. Identifiers: Orphanet 280671, MedGen C1865233, MONDO:0011246, OMIM 602541.

Allele frequency attached by ClinVar (database versions not stated): gnomAD 0.00008; TOPMed 0.00009; gnomAD exomes 0.00007 and 0.00009; ExAC 0.00007; ESP Exome Variant Server 0.00031.
gnomAD v4.1: 139 of 1,612,996 alleles (0.0086%); highest among the groups gnomAD compares: Middle Eastern, 0.016%; no homozygotes.

Submissions (4):

Revvity Omics, Revvity
Classification: Uncertain significance for Megaconial type congenital muscular dystrophy. Last evaluated: 2024-01-17. Review status: criteria provided, single submitter. Criteria: ACMG Guidelines, 2015. Collection method: clinical testing. Allele origin: germline.

Women's Health and Genetics/Laboratory Corporation of America, LabCorp
Classification: Pathogenic for Megaconial type congenital muscular dystrophy. Last evaluated: 2023-07-03. Review status: criteria provided, single submitter. Criteria: LabCorp Variant Classification Summary - May 2015. Collection method: clinical testing. Allele origin: germline.
Comment: Variant summary: CHKB c.581G>A (p.Arg194Gln) results in a conservative amino acid change in the encoded protein sequence. Four of five in-silico tools predict a benign effect of the variant on protein function. In addition, this variant disrupts the last nucleotide of exon 4, and therefore can affect splicing. Several computational tools predict a significant impact on normal splicing: four predict the variant weakens a 5' donor site. However, these predictions have yet to be confirmed by functional studies. The variant allele was found at a frequency of 6.9e-05 in 246726 control chromosomes (gnomAD). The available data on variant occurrences in the general population are insufficient to allow any conclusion about variant significance. c.581G>A has been reported in the literature in at least 4 homozygous individuals, including 2 siblings, affected with Megaconial Type Congenital Muscular Dystrophy (e.g., Mitsuhashi_2013, Bardhan_2021, Moore_2013 (Abstract, No PMID)). These data indicate that the variant is very likely to be associated with disease. At least one publication reports experimental evidence evaluating an impact on protein function, and results showed no damaging effect of this variant on recombinant CHKB activity (e.g., Mitsuhashi_2013), however, these results do not preclude an impact on splicing. The following publications have been ascertained in the context of this evaluation (PMID: 33712684, 23945283). One submitter has reported clinical-significance assessments for this variant to ClinVar after 2014 and classified the variant as uncertain significance. Based on the evidence outlined above, the variant was classified as pathogenic.

Labcorp Genetics (formerly Invitae), Labcorp
Classification: Uncertain significance for Megaconial type congenital muscular dystrophy. Last evaluated: 2023-05-15. Review status: criteria provided, single submitter. Criteria: Invitae Variant Classification Sherloc (09022015). Collection method: clinical testing. Allele origin: germline.
Comment: In summary, the available evidence is currently insufficient to determine the role of this variant in disease. Therefore, it has been classified as a Variant of Uncertain Significance. Variants that disrupt the consensus splice site are a relatively common cause of aberrant splicing (PMID: 17576681, 9536098). Algorithms developed to predict the effect of sequence changes on RNA splicing suggest that this variant may disrupt the consensus splice site. Experimental studies have shown that this missense change does not substantially affect CHKB function (PMID: 23945283). An algorithm developed to predict the effect of missense changes on protein structure and function (PolyPhen-2) suggests that this variant¬† is likely to be tolerated. ClinVar contains an entry for this variant (Variation ID: 573092). This missense change has been observed in individuals with megaconial congenital muscular dystrophy (PMID: 23945283, 33712684). This variant is present in population databases (rs139818555, gnomAD 0.04%). This sequence change replaces arginine, which is basic and polar, with glutamine, which is neutral and polar, at codon 194 of the CHKB protein (p.Arg194Gln). This variant also falls at the last nucleotide of exon 4, which is part of the consensus splice site for this exon.

Clinical Genetics Service, Universitary Hospital 12 de Octubre
Classification: Likely pathogenic for Megaconial type congenital muscular dystrophy. Review status: criteria provided, single submitter. Criteria: ACMG Guidelines, 2015. Collection method: clinical testing. Allele origin: paternal. Affected: yes.

Literature cited by the submitters: PubMed 33712684 (cited by Women's Health and Genetics/Laboratory Corporation of America, LabCorp and Labcorp Genetics (formerly Invitae), Labcorp); PubMed 23945283 (cited by Women's Health and Genetics/Laboratory Corporation of America, LabCorp and Labcorp Genetics (formerly Invitae), Labcorp); PubMed 17576681 (cited by Labcorp Genetics (formerly Invitae), Labcorp); PubMed 9536098 (cited by Labcorp Genetics (formerly Invitae), Labcorp).